The following is an entry in ClinVar:

ClinVar aggregate classification (germline): Likely pathogenic (1 of 4 stars; one submission).

Conditions:
Dilated cardiomyopathy 1G (CMD1G). Identifiers: Orphanet 154, MedGen C1858763, MONDO:0011400, OMIM 604145.
Autosomal recessive limb-girdle muscular dystrophy type 2J (LGMDR10). Also called: Limb-girdle muscular dystrophy, type 2J; MUSCULAR DYSTROPHY, LIMB-GIRDLE, AUTOSOMAL RECESSIVE 10. Identifiers: Orphanet 140922, MedGen C1837342, MONDO:0012127, OMIM 608807.

gnomAD v4.1: 1 of 1,613,608 alleles (0.000062%); highest among the groups gnomAD compares: Non-Finnish European, 0.000085%; no homozygotes.

Submission:

Labcorp Genetics (formerly Invitae), Labcorp
Classification: Likely pathogenic for Dilated cardiomyopathy 1G; Autosomal recessive limb-girdle muscular dystrophy type 2J. Last evaluated: 2024-12-08. Review status: criteria provided, single submitter. Criteria: Invitae Variant Classification Sherloc (09022015). Collection method: clinical testing. Allele origin: germline.
Comment: This sequence change creates a premature translational stop signal (p.Tyr5989*) in the TTN gene. While this is not anticipated to result in nonsense mediated decay, it is expected to create a truncated TTN protein. This variant is not present in population databases (gnomAD no frequency). This variant has not been reported in the literature in individuals affected with TTN-related conditions. ClinVar contains an entry for this variant (Variation ID: 1052471). This variant is located in the I band of TTN (PMID: 25589632). Truncating variants in this region have been reported in individuals affected with autosomal recessive centronuclear myopathy (PMID: 23975875, internal data). Truncating variants in this region have also been identified in individuals affected with autosomal dominant dilated cardiomyopathy and/or cardio-related conditions (PMID: 27869827, 32964742, internal data). In summary, the currently available evidence indicates that the variant is pathogenic, but additional data are needed to prove that conclusively. Therefore, this variant has been classified as Likely Pathogenic.

Literature cited by the submitters: PubMed 25589632; PubMed 23975875; PubMed 27869827; PubMed 32964742.

NM_001267550.2(TTN):c.17967C>G (p.Tyr5989Ter)

Gene: TTN (titin; minus strand). Cytogenetic location: 2q31.2.
Variant type: single nucleotide variant.
Coding change: c.17967C>G on transcript NM_001267550.2 (MANE Select); coding-DNA position 17967, C replaced by G.
Protein change: p.Tyr5989Ter; replaces tyrosine 5989 with a stop codon.
Molecular consequence: nonsense. On other transcripts: intron variant (3).
Genome position (GRCh38, 1-based): chr2:178,730,566, G>C on the plus strand (C>G on the coding strand, the complement: TTN is on the minus strand). VCF-style: chr2-178730566-G-C. GRCh37 (hg19) VCF-style: chr2-179595293-G-C.
Other names: c.17016C>G, p.Tyr5672Ter (NM_001256850.1); c.14235C>G, p.Tyr4745Ter (NM_133378.4); c.13282+7516C>G (NM_003319.4); c.13858+7516C>G (NM_133437.4); c.13657+7516C>G (NM_133432.3); short protein forms Y4745*, Y5672*, Y5989*.
Identifiers: ClinVar variation 1052471 (VCV001052471.9), dbSNP rs2154308240, ClinGen allele CA349568088.